The following is an entry in ClinVar:

NM_001754.5(RUNX1):c.1041G>A (p.Met347Ile)

Gene: RUNX1 (RUNX family transcription factor 1; minus strand). Cytogenetic location: 21q22.12.
Variant type: single nucleotide variant.
Coding change: c.1041G>A on transcript NM_001754.5 (MANE Select); coding-DNA position 1041, G replaced by A.
Protein change: p.Met347Ile; replaces methionine 347 with isoleucine.
Molecular consequence: missense variant.
Genome position (GRCh38, 1-based): chr21:34,792,537, C>T on the plus strand (G>A on the coding strand, the complement: RUNX1 is on the minus strand). VCF-style: chr21-34792537-C-T. GRCh37 (hg19) VCF-style: chr21-36164834-C-T.
Other names: NM_001754.5(RUNX1):c.1041G>A; p.Met347Ile; c.960G>A, p.Met320Ile (NM_001001890.3); short protein forms M320I, M347I.
Identifiers: ClinVar variation 643883 (VCV000643883.54), dbSNP rs370114565, ClinGen allele CA10014217.
Genomic context (GRCh38, chr21:34,792,537, plus strand): 5'-GCCGATGCCGATGCCCGAGGTGACCGGCGTCGGGGAGTAGGTGAAGGCGCCTGGATAGTG[C>T]ATGCGGGGGTCGGAGATGGAGGGCAGCGCGGGGAACTGGCGCGGGTCGCTGAACGCTGTC-3'
Protein context (NP_001745.2, residues 337-357): PALPSISDPR[Met347Ile]HYPGAFTYSP

ClinVar aggregate classification (germline): Uncertain significance. Review status: reviewed by expert panel (3 of 4 stars). 6 submissions from 6 submitters: Uncertain significance (1). 5 of the submissions do not count toward it. Last evaluated 2024-09-18.

Conditions:
Hereditary thrombocytopenia and hematologic cancer predisposition syndrome. Identifiers: Orphanet 71290, MedGen CN281654, MONDO:0011071.
Hereditary thrombocytopenia and hematological cancer predisposition syndrome associated with RUNX1. Also called: Familial thrombocytopenia with propensity to acute myelogenous leukemia; PLATELET DISORDER, ASPIRIN-LIKE; RUNX1 Familial Platelet Disorder with Associated Myeloid Malignancies; Familial Platelet Disorder with Propensity to Acute Myelogenous Leukemia. Identifiers: Orphanet 71290, MedGen C1832388, MeSH C563324, MONDO:0100083, OMIM 601399.
Inborn genetic diseases. Identifiers: MedGen C0950123, MeSH D030342.
Acute myeloid leukemia (AML). Also called: Acute myeloid leukemia, adult; AML adult; Acute non-lymphocytic leukemia; Acute granulocytic leukemia; Leukemia, acute myeloid, somatic; Leukemia, acute myelogenous, somatic. Identifiers: Orphanet 519, MedGen C0023467, MeSH D015470, MONDO:0018874, OMIM 601626, HP:0004808. Disease mechanism: Constitutively activated FLT3.

Allele frequency attached by ClinVar (database versions not stated): gnomAD 0.00001; gnomAD exomes 0.00001 and 0.00003; TOPMed 0.00001; ExAC 0.00003; ESP Exome Variant Server 0.00008.
gnomAD v4.1: 41 of 1,606,364 alleles (0.0026%); highest among the groups gnomAD compares: Non-Finnish European, 0.0034%; no homozygotes.

Submissions (6):

ClinGen Myeloid Malignancy Variant Curation Expert Panel
Classification: Uncertain significance for Hereditary thrombocytopenia and hematologic cancer predisposition syndrome. Last evaluated: 2024-09-18. Review status: reviewed by expert panel. Criteria: ClinGen MyeloMalig ACMG Specifications v2. Collection method: curation. Allele origin: germline. Inheritance: Autosomal dominant inheritance.
Comment: NM_001754.5(RUNX1):c.1041G>A (p.Met347Ile) is a missense variant which has a REVEL score < 0.50 (0.374) and a SpliceAI score ≤ 0.20 (0.0) (BP4). This variant has been reported in one proband meeting at least one of the RUNX1-phenotypic criteria (PS4_supporting; PMID: 34166225). In summary, the clinical significance of this variant is uncertain. ACMG/AMP criteria applied, as specified by the Myeloid Malignancy Variant Curation Expert Panel for RUNX1: BP4, PS4_supporting.

Labcorp Genetics (formerly Invitae), Labcorp
Classification: Uncertain significance for Hereditary thrombocytopenia and hematological cancer predisposition syndrome associated with RUNX1. Last evaluated: 2025-03-13. Review status: criteria provided, single submitter. Criteria: Invitae Variant Classification Sherloc (09022015). Collection method: clinical testing. Allele origin: germline. Not counted in ClinVar's aggregate classification.
Comment: This sequence change replaces methionine, which is neutral and non-polar, with isoleucine, which is neutral and non-polar, at codon 347 of the RUNX1 protein (p.Met347Ile). This variant is present in population databases (rs370114565, gnomAD 0.001%). This missense change has been observed in individual(s) with RUNX1-related conditions (PMID: 34166225). ClinVar contains an entry for this variant (Variation ID: 643883). Invitae Evidence Modeling of protein sequence and biophysical properties (such as structural, functional, and spatial information, amino acid conservation, physicochemical variation, residue mobility, and thermodynamic stability) has been performed for this missense variant. However, the output from this modeling did not meet the statistical confidence thresholds required to predict the impact of this variant on RUNX1 protein function. In summary, the available evidence is currently insufficient to determine the role of this variant in disease. Therefore, it has been classified as a Variant of Uncertain Significance.

Ambry Genetics
Classification: Uncertain significance for Inborn genetic diseases. Last evaluated: 2025-02-07. Review status: criteria provided, single submitter. Criteria: Ambry Variant Classification Scheme 2023. Collection method: clinical testing. Allele origin: germline. Not counted in ClinVar's aggregate classification.
Comment: The p.M347I variant (also known as c.1041G>A), located in coding exon 8 of the RUNX1 gene, results from a G to A substitution at nucleotide position 1041. The methionine at codon 347 is replaced by isoleucine, an amino acid with highly similar properties. This amino acid position is well conserved in available vertebrate species. In addition, the in silico prediction for this alteration is inconclusive. Based on the available evidence, the clinical significance of this variant remains unclear.

GeneDx
Classification: Uncertain significance. Last evaluated: 2023-08-21. Review status: criteria provided, single submitter. Criteria: GeneDx Variant Classification Process June 2021. Collection method: clinical testing. Allele origin: germline. Affected: yes. Not counted in ClinVar's aggregate classification.
Comment: Not observed at significant frequency in large population cohorts (gnomAD); In silico analysis supports that this missense variant has a deleterious effect on protein structure/function; Observed in an individual with pediatric-onset acute lymphoblastic leukemia (PMID: 34166225); Published functional studies demonstrate no damaging effect: protein expression levels and transactivating promoter expression similar to wildtype (PMID: 34166225); This variant is associated with the following publications: (PMID: 34166225)

Baylor Genetics
Classification: Uncertain significance for Acute myeloid leukemia. Last evaluated: 2023-08-15. Review status: criteria provided, single submitter. Criteria: ACMG Guidelines, 2015. Collection method: clinical testing. Allele origin: unknown. Not counted in ClinVar's aggregate classification.

CeGaT Center for Human Genetics Tuebingen
Classification: Uncertain significance. Last evaluated: 2019-04-01. Review status: criteria provided, single submitter. Criteria: CeGaT Center For Human Genetics Tuebingen Variant Classification Criteria Version 2. Collection method: clinical testing. Allele origin: germline. Affected: yes. Observed: 2 variant alleles. Not counted in ClinVar's aggregate classification.

Literature cited by the submitters: PubMed 34166225 (cited by Labcorp Genetics (formerly Invitae), Labcorp).